The following is an entry in ClinVar:

ClinVar aggregate classification (germline): Likely pathogenic (1 of 4 stars; one submission).

Conditions:
TTLL5-related disorder. Also called: TTLL5-related condition.

Submission:

PreventionGenetics, part of Exact Sciences
Classification: Likely pathogenic for TTLL5-related condition. Last evaluated: 2022-08-29. Review status: criteria provided, single submitter. Criteria: ACMG Guidelines, 2015. Collection method: clinical testing. Allele origin: germline.
Comment: The TTLL5 c.357_360dupTAAT variant is predicted to result in premature protein termination (p.His121*). To our knowledge, this variant has not been reported in the literature or in a large population database, indicating this variant is rare. Nonsense variants in TTLL5 are expected to be pathogenic. This variant is interpreted as likely pathogenic.

NM_015072.5(TTLL5):c.357_360dup (p.His121Ter)

Gene: TTLL5 (tubulin tyrosine ligase like 5; plus strand). Cytogenetic location: 14q24.3.
Variant type: Duplication.
Coding change: c.357_360dup on transcript NM_015072.5 (MANE Select); coding-DNA positions 357 to 360, 4 bases duplicated (TAAT; older notation c.357_360dupTAAT).
Protein change: p.His121Ter; replaces histidine 121 with a stop codon.
Molecular consequence: nonsense.
Genome position (GRCh38, 1-based): chr14:75,683,642-75,683,645, TAAT duplicated; duplicating any 4 consecutive bases within chr14:75,683,641-75,683,645 gives the same sequence; the c. name uses the placement nearest the transcript's 3' end. VCF-style (leftmost placement, unchanged base first): chr14-75683640-G-GTTAA. GRCh37 (hg19) VCF-style: chr14-76149983-G-GTTAA.
Other names: short protein forms H121*.
Identifiers: ClinVar variation 2636182 (VCV002636182.1), dbSNP rs2504286530, ClinGen allele CA2695199843.